The following is an entry in ClinVar:

ClinVar aggregate classification (germline): Benign/Likely benign. Review status: criteria provided, multiple submitters, no conflicts (2 of 4 stars). 5 submissions from 5 submitters: Benign (1); Likely benign (4). Last evaluated 2025-04-01.

Conditions:
Hereditary nonpolyposis colorectal neoplasms. Identifiers: MedGen C0009405, MeSH D003123.
Hereditary cancer-predisposing syndrome. Also called: Hereditary neoplastic syndrome; Hereditary Cancer Syndrome; Neoplastic Syndromes, Hereditary; Tumor predisposition. Identifiers: Orphanet 140162, MedGen C0027672, MeSH D009386, MONDO:0015356.
Lynch syndrome. Identifiers: Orphanet 144, MedGen C4552100, MONDO:0005835. Disease mechanism: loss of function.
Lynch syndrome 5 (LYNCH5). Also called: Hereditary non-polyposis colorectal cancer, type 5; Colorectal cancer, hereditary nonpolyposis, type 5. Identifiers: Orphanet 144, MedGen C1833477, MONDO:0013710, OMIM 614350. Disease mechanism: loss of function.

Allele frequency attached by ClinVar (database versions not stated): gnomAD 0.00001; TOPMed 0.00001.
gnomAD v4.1: 2 of 1,614,078 alleles (0.00012%); highest among the groups gnomAD compares: African/African-American, 0.0027%; no homozygotes.

Submissions (5):

Labcorp Genetics (formerly Invitae), Labcorp
Classification: Likely benign for Hereditary nonpolyposis colorectal neoplasms. Last evaluated: 2025-04-01. Review status: criteria provided, single submitter. Criteria: Invitae Variant Classification Sherloc (09022015). Collection method: clinical testing. Allele origin: germline.

Myriad Genetics, Inc.
Classification: Benign for Lynch syndrome 5. Last evaluated: 2024-12-26. Review status: criteria provided, single submitter. Criteria: Myriad Autosomal Dominant, Autosomal Recessive and X-Linked Classification Criteria (2023). Collection method: clinical testing. Allele origin: unknown.
Comment: This variant is considered benign. This variant is a silent/synonymous amino acid change and it is not expected to impact splicing.

All of Us Research Program, National Institutes of Health
Classification: Likely benign for Lynch syndrome. Last evaluated: 2023-05-23. Review status: criteria provided, single submitter. Criteria: ACMG Guidelines, 2015. Collection method: clinical testing. Allele origin: germline. Inheritance: Autosomal dominant inheritance. Observed: 2 variant alleles, 2 heterozygotes.
Comment: This study involves interpretation of variants in research participants for the purpose of population health screening. Participant phenotype was not available at the time of variant classification. Additional details can be found in publication PMID: 35346344, PMCID: PMC8962531

Color Diagnostics, LLC DBA Color Health
Classification: Likely benign for Hereditary cancer-predisposing syndrome. Last evaluated: 2023-02-15. Review status: criteria provided, single submitter. Criteria: ACMG Guidelines, 2015. Collection method: clinical testing. Allele origin: germline.

Ambry Genetics
Classification: Likely benign for Hereditary cancer-predisposing syndrome. Last evaluated: 2021-04-28. Review status: criteria provided, single submitter. Criteria: Ambry Variant Classification Scheme 2023. Collection method: clinical testing. Allele origin: germline.

NM_000179.3(MSH6):c.1527G>A (p.Val509=)

Gene: MSH6 (mutS homolog 6; plus strand). Cytogenetic location: 2p16.3.
Variant type: single nucleotide variant.
Coding change: c.1527G>A on transcript NM_000179.3 (MANE Select); coding-DNA position 1527, G replaced by A.
Protein change: p.Val509=; no amino-acid change (valine 509 retained).
Molecular consequence: synonymous variant.
Genome position (GRCh38, 1-based): chr2:47,799,510, G>A. VCF-style: chr2-47799510-G-A. GRCh37 (hg19) VCF-style: chr2-48026649-G-A.
Other names: c.1137G>A, p.Val379= (NM_001281492.2); c.621G>A, p.Val207= (NM_001281493.2, NM_001281494.2).
Identifiers: ClinVar variation 237138 (VCV000237138.14), dbSNP rs878853706, ClinGen allele CA10582052.